The following is an entry in ClinVar:

NM_000431.4(MVK):c.604G>A (p.Gly202Arg)

Gene: MVK (mevalonate kinase; plus strand). Cytogenetic location: 12q24.11.
Variant type: single nucleotide variant.
Coding change: c.604G>A on transcript NM_000431.4 (MANE Select); coding-DNA position 604, G replaced by A.
Protein change: p.Gly202Arg; replaces glycine 202 with arginine.
Molecular consequence: missense variant.
Genome position (GRCh38, 1-based): chr12:109,586,098, G>A. VCF-style: chr12-109586098-G-A. GRCh37 (hg19) VCF-style: chr12-110023903-G-A.
Other names: c.604G>A (LRG_156t1); c.604G>A, p.Gly202Arg (NM_001114185.3); c.448G>A, p.Gly150Arg (NM_001301182.2); short protein forms G202R, G150R.
Identifiers: ClinVar variation 39726 (VCV000039726.58), dbSNP rs104895301, ClinGen allele CA130490.
Genomic context (GRCh38, chr12:109,586,098, plus strand): 5'-TTGGAGCTAATTAACAAGTGGGCCTTCCAAGGGGAGAGAATGATTCACGGGAACCCCTCC[G>A]GAGTGGACAATGCTGTCAGCACCTGGGGTAGGTGTGGCCTCAGGTTTATTTTATTGTTGT-3'
Protein context (NP_000422.1, residues 192-212): GERMIHGNPS[Gly202Arg]VDNAVSTWGG

ClinVar aggregate classification (germline): Pathogenic/Likely pathogenic. Review status: criteria provided, multiple submitters, no conflicts (2 of 4 stars). 10 submissions from 8 submitters: Pathogenic (5); Likely pathogenic (1). 4 of the submissions do not count toward it. Last evaluated 2025-09-08.

Conditions:
Hyperimmunoglobulin D with periodic fever (HIDS). Also called: HYPERIMMUNOGLOBULINEMIA D AND PERIODIC FEVER SYNDROME; Hyperimmunoglobulinemia D; Hyperimmunoglobulinemia D with periodic fever. Identifiers: Orphanet 343, MedGen C0398691, MONDO:0009849, OMIM 260920.
Mevalonic aciduria (MEVA). Identifiers: Orphanet 29, MedGen C1959626, MONDO:0012481, OMIM 610377.
Porokeratosis 3, disseminated superficial actinic type (POROK3). Also called: POROKERATOSIS, DISSEMINATED SUPERFICIAL ACTINIC, 1; POROKERATOSIS 3, MULTIPLE TYPES; POROKERATOSIS 3, MIBELLI TYPE. Identifiers: MedGen C1867981, MONDO:0008293, OMIM 175900.

Allele frequency attached by ClinVar (database versions not stated): gnomAD exomes below 0.00001 and 0.00001; gnomAD 0.00001; TOPMed 0.00002.

Submissions (10):

Labcorp Genetics (formerly Invitae), Labcorp
Classification: Pathogenic for Mevalonic aciduria; Hyperimmunoglobulin D with periodic fever; Porokeratosis 3, disseminated superficial actinic type. Last evaluated: 2025-09-08. Review status: criteria provided, single submitter. Criteria: Invitae Variant Classification Sherloc (09022015). Collection method: clinical testing. Allele origin: germline.
Comment: This sequence change replaces glycine, which is neutral and non-polar, with arginine, which is basic and polar, at codon 202 of the MVK protein (p.Gly202Arg). This variant is present in population databases (rs104895301, gnomAD 0.003%). This missense change has been observed in individual(s) with autosomal recessive mevalonate kinase deficiency (PMID: 11313769, 22566169; internal data). This variant has been reported in individual(s) with autosomal dominant porokeratosis (PMID: 22983302, 26202976, 33168400); however, the role of the variant in this condition is currently unclear. This variant is also known as c.695G>A. ClinVar contains an entry for this variant (Variation ID: 39726). Invitae Evidence Modeling of protein sequence and biophysical properties (such as structural, functional, and spatial information, amino acid conservation, physicochemical variation, residue mobility, and thermodynamic stability) indicates that this missense variant is expected to disrupt MVK protein function with a positive predictive value of 95%. For these reasons, this variant has been classified as Pathogenic.

Women's Health and Genetics/Laboratory Corporation of America, LabCorp
Classification: Pathogenic for Hyperimmunoglobulin D with periodic fever. Last evaluated: 2024-08-16. Review status: criteria provided, single submitter. Criteria: LabCorp Variant Classification Summary - May 2015. Collection method: clinical testing. Allele origin: germline.
Comment: Variant summary: MVK c.604G>A (p.Gly202Arg) results in a non-conservative amino acid change located in the GHMP kinase N-terminal domain (IPR006204) of the encoded protein sequence. Five of five in-silico tools predict a damaging effect of the variant on protein function. The variant allele was found at a frequency of 4e-06 in 251388 control chromosomes. c.604G>A has been reported in the literature in compound heterozygous genotype in an individual affected with autosomal recessive Hyper-IgD syndrome and as heterozygous genotype in multiple individuals affected with autosomal dominant Disseminated superficial actinic porokeratosis (Cuisset_2001, Zhang_2012). These data indicate that the variant is very likely to be associated with disease. To our knowledge, no experimental evidence demonstrating an impact on protein function has been reported. The following publications have been ascertained in the context of this evaluation (PMID: 11313769, 22983302). ClinVar contains an entry for this variant (Variation ID: 39726). Based on the evidence outlined above, the variant was classified as pathogenic.

Fulgent Genetics
Classification: Pathogenic for Porokeratosis 3, disseminated superficial actinic type; Hyperimmunoglobulin D with periodic fever; Mevalonic aciduria. Last evaluated: 2024-05-22. Review status: criteria provided, single submitter. Criteria: ACMG Guidelines, 2015. Collection method: clinical testing. Allele origin: germline.

GeneDx
Classification: Likely pathogenic. Last evaluated: 2022-03-07. Review status: criteria provided, single submitter. Criteria: GeneDx Variant Classification Process June 2021. Collection method: clinical testing. Allele origin: germline. Affected: yes.
Comment: Not observed at significant frequency in large population cohorts (gnomAD); In silico analysis supports that this missense variant has a deleterious effect on protein structure/function; This variant is associated with the following publications: (PMID: 24008101, 22566169, 24131530, 15324368, 26794421, 27422687, 21274502, 16011988, 16835861, 11313769, 19543954, 34188266, 33168400, 33619735, 22983302)

Institute of Human Genetics Munich, TUM University Hospital
Classification: Pathogenic for Mevalonic aciduria. Last evaluated: 2020-03-23. Review status: criteria provided, single submitter. Criteria: Classification criteria August 2017. Collection method: clinical testing. Allele origin: paternal. Inheritance: Autosomal recessive inheritance. Affected: yes. Observed: 1 compound heterozygote.

CeGaT Center for Human Genetics Tuebingen
Classification: Pathogenic. Last evaluated: 2017-10-01. Review status: criteria provided, single submitter. Criteria: CeGaT Center For Human Genetics Tuebingen Variant Classification Criteria Version 2. Collection method: clinical testing. Allele origin: germline. Affected: yes. Observed: 1 variant allele.

OMIM
Classification: Pathogenic for HYPER-IgD SYNDROME. Last evaluated: 2012-10-01. Review status: no assertion criteria provided. Collection method: literature only. Allele origin: germline. Not counted in ClinVar's aggregate classification.

OMIM
Classification: Pathogenic for MEVALONIC ACIDURIA. Last evaluated: 2012-10-01. Review status: no assertion criteria provided. Collection method: literature only. Allele origin: germline. Not counted in ClinVar's aggregate classification.

OMIM
Classification: Pathogenic for POROKERATOSIS 3, DISSEMINATED SUPERFICIAL ACTINIC TYPE. Last evaluated: 2012-10-01. Review status: no assertion criteria provided. Collection method: literature only. Allele origin: germline. Not counted in ClinVar's aggregate classification.

Unité médicale des maladies autoinflammatoires, CHRU Montpellier
No classification provided. Condition: Hyperimmunoglobulin D with periodic fever. Review status: no classification provided. Collection method: not provided. Allele origin: unknown. Not counted in ClinVar's aggregate classification.
Comment: also involved in OMIM 25117

Literature cited by the submitters: PubMed 11313769 (cited by 3 submitters); PubMed 22566169 (cited by Labcorp Genetics (formerly Invitae), Labcorp); PubMed 22983302 (cited by 3 submitters); PubMed 26202976 (cited by Labcorp Genetics (formerly Invitae), Labcorp); PubMed 33168400 (cited by Labcorp Genetics (formerly Invitae), Labcorp); PubMed 16835861 (cited by OMIM).